The following is an entry in ClinVar:

ClinVar aggregate classification (germline): Benign/Likely benign. Review status: criteria provided, multiple submitters, no conflicts (2 of 4 stars). 10 submissions from 10 submitters: Benign (4); Likely benign (5). 1 of the submissions does not count toward it. Last evaluated 2026-02-03.

Conditions:
SDHA-related disorder. Also called: SDHA-related disorders; SDHA-related condition.
Pheochromocytoma/paraganglioma syndrome 5. Also called: Paragangliomas 5; SDHA-Related Hereditary Paraganglioma-Pheochromocytoma Syndrome. Identifiers: Orphanet 29072, MedGen C3279992, MONDO:0013602, OMIM 614165.
Mitochondrial complex II deficiency, nuclear type 1. Also called: SUCCINATE CoQ REDUCTASE DEFICIENCY. Identifiers: Orphanet 3208, MedGen C5700310, MONDO:0100294, OMIM 252011.
Hereditary cancer-predisposing syndrome. Also called: Neoplastic Syndromes, Hereditary; Hereditary neoplastic syndrome; Tumor predisposition; Hereditary Cancer Syndrome. Identifiers: Orphanet 140162, MedGen C0027672, MeSH D009386, MONDO:0015356.

Allele frequency attached by ClinVar (database versions not stated): ESP Exome Variant Server 0.00008; gnomAD exomes 0.00016 and 0.00027; gnomAD 0.00017 and 0.00019; TOPMed 0.00018; ExAC 0.00029.

Submissions (10):

Labcorp Genetics (formerly Invitae), Labcorp
Classification: Benign for Pheochromocytoma/paraganglioma syndrome 5; Mitochondrial complex II deficiency, nuclear type 1. Last evaluated: 2026-02-03. Review status: criteria provided, single submitter. Criteria: Invitae Variant Classification Sherloc (09022015). Collection method: clinical testing. Allele origin: germline.

Quest Diagnostics Nichols Institute San Juan Capistrano
Classification: Benign. Last evaluated: 2025-11-05. Review status: criteria provided, single submitter. Criteria: Quest Diagnostics criteria. Collection method: clinical testing. Allele origin: unknown.

CeGaT Center for Human Genetics Tuebingen
Classification: Likely benign. Last evaluated: 2025-05-01. Review status: criteria provided, single submitter. Criteria: CeGaT Center For Human Genetics Tuebingen Variant Classification Criteria Version 2. Collection method: clinical testing. Allele origin: germline. Affected: yes. Observed: 3 variant alleles.
Comment: SDHA: BP4, BP7

Myriad Genetics, Inc.
Classification: Benign for Pheochromocytoma/paraganglioma syndrome 5. Last evaluated: 2025-03-10. Review status: criteria provided, single submitter. Criteria: Myriad Autosomal Dominant, Autosomal Recessive and X-Linked Classification Criteria (2023). Collection method: clinical testing. Allele origin: unknown.
Comment: This variant is considered benign. This variant is a silent/synonymous amino acid change and it is not expected to impact splicing.

Blueprint Genetics
Classification: Likely benign. Last evaluated: 2024-11-08. Review status: criteria provided, single submitter. Criteria: ACMG Guidelines, 2015. Collection method: clinical testing. Allele origin: germline.

Genetic Services Laboratory, University of Chicago
Classification: Likely benign. Last evaluated: 2021-07-28. Review status: criteria provided, single submitter. Criteria: ACMG Guidelines, 2015. Collection method: clinical testing. Allele origin: germline. Affected: no.

Sema4
Classification: Benign for Hereditary cancer-predisposing syndrome. Last evaluated: 2020-11-30. Review status: criteria provided, single submitter. Criteria: Sema4 Curation Guidelines. Collection method: curation. Allele origin: germline.

GeneDx
Classification: Likely benign. Last evaluated: 2017-11-25. Review status: criteria provided, single submitter. Criteria: GeneDx Variant Classification (06012015). Collection method: clinical testing. Allele origin: germline. Affected: yes.
Comment: This variant is considered likely benign or benign based on one or more of the following criteria: it is a conservative change, it occurs at a poorly conserved position in the protein, it is predicted to be benign by multiple in silico algorithms, and/or has population frequency not consistent with disease.

Ambry Genetics
Classification: Likely benign for Hereditary cancer-predisposing syndrome. Last evaluated: 2014-12-22. Review status: criteria provided, single submitter. Criteria: Ambry Variant Classification Scheme 2023. Collection method: clinical testing. Allele origin: germline.

PreventionGenetics, part of Exact Sciences
Classification: Likely benign for SDHA-related condition. Last evaluated: 2019-07-10. Review status: no assertion criteria provided. Collection method: clinical testing. Allele origin: germline. Not counted in ClinVar's aggregate classification.
Comment: This variant is classified as likely benign based on ACMG/AMP sequence variant interpretation guidelines (Richards et al. 2015 PMID: 25741868, with internal and published modifications).

NM_004168.4(SDHA):c.1569T>C (p.Ala523=)

Gene: SDHA (succinate dehydrogenase complex flavoprotein subunit A; plus strand). Cytogenetic location: 5p15.33.
Variant type: single nucleotide variant.
Coding change: c.1569T>C on transcript NM_004168.4 (MANE Select); coding-DNA position 1569, T replaced by C.
Protein change: p.Ala523=; no amino-acid change (alanine 523 retained).
Molecular consequence: synonymous variant. On other transcripts: intron variant (1).
Genome position (GRCh38, 1-based): chr5:251,009, T>C. VCF-style: chr5-251009-T-C. GRCh37 (hg19) VCF-style: chr5-251124-T-C.
Other names: c.1425T>C, p.Ala475= (NM_001294332.2); c.1552-3384T>C (NM_001330758.2).
Identifiers: ClinVar variation 387333 (VCV000387333.85), dbSNP rs150192376, ClinGen allele CA3173297.
Genomic context (GRCh38, chr5:251,009, plus strand): 5'-CTTCTATGGATTAAAAGTTTACAAATAATATTTTGTGCCACAGTCAATGCAAAATCATGC[T>C]GCCGTGTTCCGTGTGGGAAGCGTGTTGCAAGAAGGTTGTGGGAAAATCAGCAAGCTCTAT-3'
Protein context (NP_004159.2, residues 513-533): LSMQKSMQNH[Ala523=]AVFRVGSVLQ